The following is an entry in ClinVar:

ClinVar aggregate classification (germline): Uncertain significance. Review status: criteria provided, multiple submitters, no conflicts (2 of 4 stars). 2 submissions from 2 submitters: Uncertain significance (2). Last evaluated 2025-08-12.

Conditions:
Inborn genetic diseases. Identifiers: MedGen C0950123, MeSH D030342.

Submissions (2):

Ambry Genetics
Classification: Uncertain significance for Inborn genetic diseases. Last evaluated: 2025-08-12. Review status: criteria provided, single submitter. Criteria: Ambry Variant Classification Scheme 2023. Collection method: clinical testing. Allele origin: germline.

Mayo Clinic Laboratories, Mayo Clinic
Classification: Uncertain significance. Last evaluated: 2025-05-29. Review status: criteria provided, single submitter. Criteria: ACMG Guidelines, 2015. Collection method: clinical testing. Allele origin: germline. Observed: 1 variant allele.
Comment: BP4, PM2_supporting

NM_019616.4(F7):c.700G>A (p.Asp234Asn)

Gene: F7 (coagulation factor VII; plus strand). Cytogenetic location: 13q34.
Variant type: single nucleotide variant.
Coding change: c.700G>A on transcript NM_019616.4 (MANE Select); coding-DNA position 700, G replaced by A.
Protein change: p.Asp234Asn; replaces aspartic acid 234 with asparagine.
Molecular consequence: missense variant. On other transcripts: non-coding transcript variant (1).
Genome position (GRCh38, 1-based): chr13:113,117,557, G>A. VCF-style: chr13-113117557-G-A. GRCh37 (hg19) VCF-style: chr13-113771871-G-A.
Other names: p.Asp256Asn; c.766G>A, p.Asp256Asn (NM_000131.5); c.514G>A, p.Asp172Asn (NM_001267554.2); short protein forms D234N, D172N, D256N.
Identifiers: ClinVar variation 4252390 (VCV004252390.2).